The following is an entry in ClinVar:

ClinVar aggregate classification (germline): Uncertain significance (1 of 4 stars; one submission).

Conditions:
Long QT syndrome (LQTS). Identifiers: MedGen C0023976, MeSH D008133, MONDO:0002442. Disease mechanism: loss of function. Inheritance: Various modes of inheritance.

Submission:

Labcorp Genetics (formerly Invitae), Labcorp
Classification: Uncertain significance for Long QT syndrome. Last evaluated: 2020-04-23. Review status: criteria provided, single submitter. Criteria: Invitae Variant Classification Sherloc (09022015). Collection method: clinical testing. Allele origin: germline.
Comment: In summary, the available evidence is currently insufficient to determine the role of this variant in disease. Therefore, it has been classified as a Variant of Uncertain Significance. Algorithms developed to predict the effect of missense changes on protein structure and function (SIFT, PolyPhen-2, Align-GVGD) all suggest that this variant is likely to be disruptive, but these predictions have not been confirmed by published functional studies and their clinical significance is uncertain. This variant has not been reported in the literature in individuals with CACNA1C-related conditions. This variant is not present in population databases (ExAC no frequency). This sequence change replaces tyrosine with asparagine at codon 1627 of the CACNA1C protein (p.Tyr1627Asn). The tyrosine residue is highly conserved and there is a large physicochemical difference between tyrosine and asparagine.

NM_000719.7(CACNA1C):c.4879T>A (p.Tyr1627Asn)

Genes: CACNA1C (calcium voltage-gated channel subunit alpha1 C; plus strand), CACNA1C-AS1 (CACNA1C antisense RNA 1; minus strand). Cytogenetic location: 12p13.33.
Variant type: single nucleotide variant.
Coding change: c.4879T>A on transcript NM_000719.7 (MANE Select); coding-DNA position 4879, T replaced by A.
Protein change: p.Tyr1627Asn; replaces tyrosine 1627 with asparagine.
Molecular consequence: missense variant. On other transcripts: non-coding transcript variant (1).
Genome position (GRCh38, 1-based): chr12:2,677,144, T>A. VCF-style: chr12-2677144-T-A. GRCh37 (hg19) VCF-style: chr12-2786310-T-A.
Other names: c.5023T>A, p.Tyr1675Asn (NM_001129827.2, NM_199460.4); c.5002T>A, p.Tyr1668Asn (NM_001129829.2); c.4879T>A, p.Tyr1627Asn (NM_001129830.3, NM_001129840.2, NM_001129841.2 and 4 more transcripts); c.4963T>A, p.Tyr1655Asn (NM_001129831.2); c.4939T>A, p.Tyr1647Asn (NM_001129832.2); c.4936T>A, p.Tyr1646Asn (NM_001129833.2, NM_001129834.2, NM_001129835.2); c.4930T>A, p.Tyr1644Asn (NM_001129836.2); c.4903T>A, p.Tyr1635Asn (NM_001129837.2, NM_001129838.2); and 3 more; short protein forms Y1633N, Y1635N, Y1644N, Y1646N, Y1647N, Y1655N, Y1668N, Y1675N.
Identifiers: ClinVar variation 1001697 (VCV001001697.9), dbSNP rs2096864586, ClinGen allele CA383377998.
Genomic context (GRCh38, chr12:2,677,144, plus strand): 5'-TACGTCTCAGATGATGAGGTCACCGTTGGCAAGTTCTACGCCACGTTCCTGATCCAGGAG[T>A]ACTTCCGGAAGTTCAAGAAGCGCAAAGAGCAGGGCCTTGTGGGCAAGCCCTCCCAGAGGA-3'
Protein context (NP_000710.5, residues 1617-1637): KFYATFLIQE[Tyr1627Asn]FRKFKKRKEQ